The following is an entry in ClinVar:

NM_001142800.2(EYS):c.694A>G (p.Arg232Gly)

Gene: EYS (eyes shut homolog; minus strand). Cytogenetic location: 6q12.
Variant type: single nucleotide variant.
Coding change: c.694A>G on transcript NM_001142800.2 (MANE Select); coding-DNA position 694, A replaced by G.
Protein change: p.Arg232Gly; replaces arginine 232 with glycine.
Molecular consequence: missense variant.
Genome position (GRCh38, 1-based): chr6:65,494,717, T>C on the plus strand (A>G on the coding strand, the complement: EYS is on the minus strand). VCF-style: chr6-65494717-T-C. GRCh37 (hg19) VCF-style: chr6-66204610-T-C.
Other names: c.694A>G, p.Arg232Gly (NM_001142801.2, NM_001292009.2, NM_198283.2); c.694A>G (NM_001142800.1); short protein forms R232G.
Identifiers: ClinVar variation 2200099 (VCV002200099.2), dbSNP rs956120052, ClinGen allele CA140434951.

ClinVar aggregate classification (germline): Uncertain significance. Review status: criteria provided, multiple submitters, no conflicts (2 of 4 stars). 2 submissions from 2 submitters: Uncertain significance (2). Last evaluated 2023-11-14.

Conditions:
Inborn genetic diseases. Identifiers: MedGen C0950123, MeSH D030342.

Allele frequency attached by ClinVar (database versions not stated): gnomAD 0.00001; gnomAD exomes 0.00001; TOPMed 0.00013.
gnomAD v4.1: 10 of 1,607,212 alleles (0.00062%); highest among the groups gnomAD compares: Admixed American, 0.0084%; no homozygotes.

Submissions (2):

Ambry Genetics
Classification: Uncertain significance for Inborn genetic diseases. Last evaluated: 2023-11-14. Review status: criteria provided, single submitter. Criteria: Ambry Variant Classification Scheme 2023. Collection method: clinical testing. Allele origin: germline.

Labcorp Genetics (formerly Invitae), Labcorp
Classification: Uncertain significance. Last evaluated: 2022-07-19. Review status: criteria provided, single submitter. Criteria: Invitae Variant Classification Sherloc (09022015). Collection method: clinical testing. Allele origin: germline.
Comment: This sequence change replaces arginine, which is basic and polar, with glycine, which is neutral and non-polar, at codon 232 of the EYS protein (p.Arg232Gly). This variant is present in population databases (no rsID available, gnomAD 0.003%). This variant has not been reported in the literature in individuals affected with EYS-related conditions. Algorithms developed to predict the effect of missense changes on protein structure and function output the following: SIFT: "Tolerated"; PolyPhen-2: "Benign"; Align-GVGD: "Class C0". The glycine amino acid residue is found in multiple mammalian species, which suggests that this missense change does not adversely affect protein function. In summary, the available evidence is currently insufficient to determine the role of this variant in disease. Therefore, it has been classified as a Variant of Uncertain Significance.